The following is an entry in ClinVar:

ClinVar aggregate classification (germline): Uncertain significance (1 of 4 stars; one submission).

Allele frequency attached by ClinVar (database versions not stated): gnomAD exomes below 0.00001.
gnomAD v4.1: 1 of 1,613,068 alleles (0.000062%); highest among the groups gnomAD compares: African/African-American, 0.0013%; no homozygotes.

Submission:

GeneDx
Classification: Uncertain significance. Last evaluated: 2023-05-10. Review status: criteria provided, single submitter. Criteria: GeneDx Variant Classification Process June 2021. Collection method: clinical testing. Allele origin: germline. Affected: yes.
Comment: Not observed at significant frequency in large population cohorts (gnomAD); In silico analysis supports that this missense variant does not alter protein structure/function; Has not been previously published as pathogenic or benign to our knowledge

NM_001271938.2(MEGF8):c.1312G>T (p.Gly438Trp)

Gene: MEGF8 (multiple EGF like domains 8; plus strand). Cytogenetic location: 19q13.2.
Variant type: single nucleotide variant.
Coding change: c.1312G>T on transcript NM_001271938.2 (MANE Select); coding-DNA position 1312, G replaced by T.
Protein change: p.Gly438Trp; replaces glycine 438 with tryptophan.
Molecular consequence: missense variant.
Genome position (GRCh38, 1-based): chr19:42,336,874, G>T. VCF-style: chr19-42336874-G-T. GRCh37 (hg19) VCF-style: chr19-42841026-G-T.
Other names: c.1312G>T, p.Gly438Trp (NM_001410.3); short protein forms G438W.
Identifiers: ClinVar variation 2662399 (VCV002662399.1), dbSNP rs1302353391, ClinGen allele CA406087592.